The following is an entry in ClinVar:

ClinVar aggregate classification (germline): Uncertain significance (1 of 4 stars; one submission).

Conditions:
3-methylglutaconic aciduria, type VIIB (MGCA7B). Also called: 3-methylglutaconic aciduria with cataracts, neurologic involvement and neutropenia; 3-methylglutaconic aciduria, type VII, with cataracts, neurologic involvement and neutropenia; CLPB Deficiency. Identifiers: Orphanet 445038, MedGen C5676893, MONDO:0014561, OMIM 616271.

Allele frequency attached by ClinVar (database versions not stated): ExAC 0.00001; gnomAD exomes 0.00001; TOPMed 0.00001.
gnomAD v4.1: 19 of 1,613,544 alleles (0.0012%); highest among the groups gnomAD compares: South Asian, 0.0022%; no homozygotes.

Submission:

Labcorp Genetics (formerly Invitae), Labcorp
Classification: Uncertain significance for 3-methylglutaconic aciduria, type VIIB. Last evaluated: 2026-01-19. Review status: criteria provided, single submitter. Criteria: Invitae Variant Classification Sherloc (09022015). Collection method: clinical testing. Allele origin: germline.
Comment: This sequence change replaces arginine, which is basic and polar, with histidine, which is basic and polar, at codon 90 of the CLPB protein (p.Arg90His). This variant is present in population databases (rs762324677, gnomAD 0.003%). This variant has not been reported in the literature in individuals affected with CLPB-related conditions. ClinVar contains an entry for this variant (Variation ID: 1440974). An algorithm developed to predict the effect of missense changes on protein structure and function outputs the following: PolyPhen-2: "Benign". The histidine amino acid residue is found in multiple mammalian species, which suggests that this missense change does not adversely affect protein function. In summary, the available evidence is currently insufficient to determine the role of this variant in disease. Therefore, it has been classified as a Variant of Uncertain Significance.

NM_001258392.3(CLPB):c.269G>A (p.Arg90His)

Genes: CLPB (ClpB family mitochondrial disaggregase; minus strand), LOC130006336 (ATAC-STARR-seq lymphoblastoid active region 5191; plus strand). Cytogenetic location: 11q13.4.
Variant type: single nucleotide variant.
Coding change: c.269G>A on transcript NM_001258392.3 (MANE Select); coding-DNA position 269, G replaced by A.
Protein change: p.Arg90His; replaces arginine 90 with histidine.
Molecular consequence: missense variant. On other transcripts: synonymous variant (1).
Genome position (GRCh38, 1-based): chr11:72,434,206, C>T on the plus strand (G>A on the coding strand, the complement: CLPB is on the minus strand). VCF-style: chr11-72434206-C-T. GRCh37 (hg19) VCF-style: chr11-72145250-C-T.
Other names: c.269G>A, p.Arg90His (NM_001258393.3, NM_030813.6); c.27G>A, p.Thr9= (NM_001258394.3); short protein forms R90H.
Identifiers: ClinVar variation 1440974 (VCV001440974.6), dbSNP rs762324677, ClinGen allele CA6171635.